The following is an entry in ClinVar:

NM_000535.7(PMS2):c.1826_1827del (p.Val609fs)

Gene: PMS2 (PMS1 homolog 2, mismatch repair system component; minus strand). Cytogenetic location: 7p22.1.
Variant type: Microsatellite.
Coding change: c.1826_1827del on transcript NM_000535.7 (MANE Select); coding-DNA positions 1826 to 1827, 2 bases deleted (TG; older notation c.1826_1827delTG).
Protein change: p.Val609fs; shifts the reading frame from valine 609.
Molecular consequence: frameshift variant. On other transcripts: non-coding transcript variant (1).
Genome position (GRCh38, 1-based): chr7:5,986,938-5,986,939, CA deleted on the plus strand (TG on the coding strand, the reverse complement: PMS2 is on the minus strand); deleting any 2 consecutive bases within chr7:5,986,938-5,986,941 gives the same sequence; the c. name uses the placement nearest the transcript's 3' end. VCF-style (leftmost placement, unchanged base first): chr7-5986937-TCA-T. GRCh37 (hg19) VCF-style: chr7-6026568-TCA-T.
Other names: c.1419_1420TG[1], p.Val474Glufs (NM_001018040.1, NM_001406887.1, NM_001406888.1 and 13 more transcripts); c.1421_1422del, p.Val474fs (NM_001322003.2, NM_001322004.2, NM_001322005.2 and 1 more transcripts); c.1670_1671del, p.Val557fs (NM_001322006.2); c.1508_1509del, p.Val503fs (NM_001322007.2, NM_001322008.2); c.1824_1825TG[1], p.Val609Glufs (NM_001406871.1, NM_001406872.1); c.1626_1627TG[1], p.Val543Glufs (NM_001406873.1); c.1656_1657TG[1], p.Val553Glufs (NM_001406874.1); c.1265_1266del, p.Val422fs (NM_001322010.2); and 19 more; short protein forms V298fs, V557fs, V503fs, V609fs, V422fs, V506fs, V418fs, V474fs.
Identifiers: ClinVar variation 2045789 (VCV002045789.4), dbSNP rs2535727137, ClinGen allele CA2580615845.

ClinVar aggregate classification (germline): Pathogenic (1 of 4 stars; one submission).

Conditions:
Hereditary nonpolyposis colorectal neoplasms. Identifiers: MedGen C0009405, MeSH D003123.

Submission:

Labcorp Genetics (formerly Invitae), Labcorp
Classification: Pathogenic for Hereditary nonpolyposis colorectal neoplasms. Last evaluated: 2025-04-08. Review status: criteria provided, single submitter. Criteria: Invitae Variant Classification Sherloc (09022015). Collection method: clinical testing. Allele origin: germline.
Comment: This sequence change creates a premature translational stop signal (p.Val609Glufs*3) in the PMS2 gene. It is expected to result in an absent or disrupted protein product. Loss-of-function variants in PMS2 are known to be pathogenic (PMID: 21376568, 24362816). This variant is not present in population databases (gnomAD no frequency). This variant has not been reported in the literature in individuals affected with PMS2-related conditions. For these reasons, this variant has been classified as Pathogenic.

Literature cited by the submitters: PubMed 21376568; PubMed 24362816.